The following is an entry in ClinVar:

ClinVar aggregate classification (germline): Conflicting classifications of pathogenicity. Review status: criteria provided, conflicting classifications (1 of 4 stars). 3 submissions from 3 submitters: Uncertain significance (2); Benign (1). Last evaluated 2025-09-09.

Conditions:
Hereditary cancer-predisposing syndrome. Also called: Neoplastic Syndromes, Hereditary; Hereditary Cancer Syndrome; Hereditary neoplastic syndrome; Tumor predisposition. Identifiers: Orphanet 140162, MedGen C0027672, MeSH D009386, MONDO:0015356.
Familial adenomatous polyposis 2. Also called: Adenomas, multiple colorectal; MUTYH Polyposis; COLORECTAL ADENOMATOUS POLYPOSIS, AUTOSOMAL RECESSIVE; ADENOMAS, MULTIPLE COLORECTAL, AUTOSOMAL RECESSIVE; FAP type 2; MUTYH-associated polyposis. Identifiers: Orphanet 220460, Orphanet 247798, MedGen C3272841, MONDO:0012041, OMIM 608456.

Submissions (3):

Ambry Genetics
Classification: Benign for Hereditary cancer-predisposing syndrome. Last evaluated: 2025-09-09. Review status: criteria provided, single submitter. Criteria: Ambry Variant Classification Scheme 2023. Collection method: clinical testing. Allele origin: germline.

Labcorp Genetics (formerly Invitae), Labcorp
Classification: Uncertain significance for Familial adenomatous polyposis 2. Last evaluated: 2024-12-24. Review status: criteria provided, single submitter. Criteria: Invitae Variant Classification Sherloc (09022015). Collection method: clinical testing. Allele origin: germline.
Comment: This sequence change replaces alanine, which is neutral and non-polar, with aspartic acid, which is acidic and polar, at codon 31 of the MUTYH protein (p.Ala31Asp). This variant is not present in population databases (gnomAD no frequency). This variant has not been reported in the literature in individuals affected with MUTYH-related conditions. ClinVar contains an entry for this variant (Variation ID: 1046297). An algorithm developed to predict the effect of missense changes on protein structure and function (PolyPhen-2) suggests that this variant is likely to be tolerated. In summary, the available evidence is currently insufficient to determine the role of this variant in disease. Therefore, it has been classified as a Variant of Uncertain Significance.

Mayo Clinic Laboratories, Mayo Clinic
Classification: Uncertain significance. Last evaluated: 2024-08-12. Review status: criteria provided, single submitter. Criteria: ACMG Guidelines, 2015. Collection method: clinical testing. Allele origin: germline. Observed: 1 variant allele.
Comment: BP4, PM2

NM_001048174.2(MUTYH):c.50C>A (p.Ala17Asp)

Gene: MUTYH (mutY DNA glycosylase; minus strand). Cytogenetic location: 1p34.1.
Variant type: single nucleotide variant.
Coding change: c.50C>A on transcript NM_001048174.2 (MANE Select); coding-DNA position 50, C replaced by A.
Protein change: p.Ala17Asp; replaces alanine 17 with aspartic acid.
Molecular consequence: missense variant. On other transcripts: 5 prime UTR variant (4), non-coding transcript variant (2).
Genome position (GRCh38, 1-based): chr1:45,334,456, G>T on the plus strand (C>A on the coding strand, the complement: MUTYH is on the minus strand). VCF-style: chr1-45334456-G-T. GRCh37 (hg19) VCF-style: chr1-45800128-G-T.
Other names: p.Ala31Asp; c.50C>A, p.Ala17Asp (NM_001293191.2, NM_001293195.2, NM_001048171.2 and 2 more transcripts); c.-163C>A (NM_001293192.2, NM_001293196.2); c.-222C>A (NM_001350650.2); c.-158C>A (NM_001350651.2); c.92C>A, p.Ala31Asp (NM_012222.3, NM_001128425.2, NM_001293190.2); c.92C>A (NM_001128425.1); short protein forms A31D, A17D.
Identifiers: ClinVar variation 1046297 (VCV001046297.11), dbSNP rs1645573077, ClinGen allele CA340137141.